The following is an entry in ClinVar:

NM_000138.5(FBN1):c.2646G>A (p.Ala882=)

Gene: FBN1 (fibrillin 1; minus strand). Cytogenetic location: 15q21.1.
Variant type: single nucleotide variant.
Coding change: c.2646G>A on transcript NM_000138.5 (MANE Select); coding-DNA position 2646, G replaced by A.
Protein change: p.Ala882=; no amino-acid change (alanine 882 retained).
Molecular consequence: synonymous variant.
Genome position (GRCh38, 1-based): chr15:48,495,154, C>T on the plus strand (G>A on the coding strand, the complement: FBN1 is on the minus strand). VCF-style: chr15-48495154-C-T. GRCh37 (hg19) VCF-style: chr15-48787351-C-T.
Identifiers: ClinVar variation 633215 (VCV000633215.18), dbSNP rs376040442, ClinGen allele CA048303.

ClinVar aggregate classification (germline): Likely benign. Review status: criteria provided, multiple submitters, no conflicts (2 of 4 stars). 6 submissions from 6 submitters: Likely benign (6). Last evaluated 2025-11-04.

Conditions:
Familial thoracic aortic aneurysm and aortic dissection (TAAD). Also called: Thoracic aortic aneurysms and dissections. Identifiers: Orphanet 91387, MedGen C4707243, MONDO:0019625.
Marfan syndrome (MFS). Also called: FBN1-Related Marfan Syndrome; Marfan syndrome type 1; Marfan's syndrome; Marfan syndrome, classic; MARFAN SYNDROME, TYPE I. Identifiers: Orphanet 284963, Orphanet 558, MedGen C0024796, MONDO:0007947, OMIM 154700.

Allele frequency attached by ClinVar (database versions not stated): gnomAD below 0.00001 and 0.00001; TOPMed below 0.00001; gnomAD exomes 0.00004; ExAC 0.00004; ESP Exome Variant Server 0.00008.
gnomAD v4.1: 22 of 1,613,998 alleles (0.0014%); highest among the groups gnomAD compares: Middle Eastern, 0.066%; no homozygotes.

Submissions (6):

Labcorp Genetics (formerly Invitae), Labcorp
Classification: Likely benign for Marfan syndrome; Familial thoracic aortic aneurysm and aortic dissection. Last evaluated: 2025-11-04. Review status: criteria provided, single submitter. Criteria: Invitae Variant Classification Sherloc (09022015). Collection method: clinical testing. Allele origin: germline.

Blueprint Genetics
Classification: Likely benign. Last evaluated: 2024-04-24. Review status: criteria provided, single submitter. Criteria: ACMG Guidelines, 2015. Collection method: clinical testing. Allele origin: germline.

All of Us Research Program, National Institutes of Health
Classification: Likely benign for Marfan syndrome. Last evaluated: 2024-01-08. Review status: criteria provided, single submitter. Criteria: ACMG Guidelines, 2015. Collection method: clinical testing. Allele origin: germline. Inheritance: Autosomal dominant inheritance. Observed: 5 variant alleles, 5 heterozygotes.
Comment: This study involves interpretation of variants in research participants for the purpose of population health screening. Participant phenotype was not available at the time of variant classification. Additional details can be found in publication PMID: 35346344, PMCID: PMC8962531

Color Diagnostics, LLC DBA Color Health
Classification: Likely benign for Familial thoracic aortic aneurysm and aortic dissection. Last evaluated: 2020-06-29. Review status: criteria provided, single submitter. Criteria: ACMG Guidelines, 2015. Collection method: clinical testing. Allele origin: germline.

Ambry Genetics
Classification: Likely benign for Familial thoracic aortic aneurysm and aortic dissection. Last evaluated: 2019-11-24. Review status: criteria provided, single submitter. Criteria: Ambry Variant Classification Scheme 2023. Collection method: clinical testing. Allele origin: germline.

Women's Health and Genetics/Laboratory Corporation of America, LabCorp
Classification: Likely benign. Last evaluated: 2019-08-28. Review status: criteria provided, single submitter. Criteria: LabCorp Variant Classification Summary - May 2015. Collection method: clinical testing. Allele origin: germline.